The following is an entry in ClinVar:

NM_001692.4(ATP6V1B1):c.414G>A (p.Val138=)

Gene: ATP6V1B1 (ATPase H+ transporting V1 subunit B1; plus strand). Cytogenetic location: 2p13.3.
Variant type: single nucleotide variant.
Coding change: c.414G>A on transcript NM_001692.4 (MANE Select); coding-DNA position 414, G replaced by A.
Protein change: p.Val138=; no amino-acid change (valine 138 retained).
Molecular consequence: synonymous variant.
Genome position (GRCh38, 1-based): chr2:70,959,064, G>A. VCF-style: chr2-70959064-G-A. GRCh37 (hg19) VCF-style: chr2-71186194-G-A.
Identifiers: ClinVar variation 514409 (VCV000514409.10), dbSNP rs782039692, ClinGen allele CA1701038.

ClinVar aggregate classification (germline): Likely benign. Review status: criteria provided, multiple submitters, no conflicts (2 of 4 stars). 2 submissions from 2 submitters: Likely benign (2). Last evaluated 2026-01-06.

Allele frequency attached by ClinVar (database versions not stated): gnomAD below 0.00001 and 0.00002; TOPMed 0.00001; gnomAD exomes 0.00005 and 0.00013; ExAC 0.00013.
gnomAD v4.1: 81 of 1,614,048 alleles (0.005%); highest among the groups gnomAD compares: South Asian, 0.074%; 2 homozygotes.

Submissions (2):

Labcorp Genetics (formerly Invitae), Labcorp
Classification: Likely benign. Last evaluated: 2026-01-06. Review status: criteria provided, single submitter. Criteria: Invitae Variant Classification Sherloc (09022015). Collection method: clinical testing. Allele origin: germline.

GeneDx
Classification: Likely benign. Last evaluated: 2018-01-08. Review status: criteria provided, single submitter. Criteria: GeneDx Variant Classification (06012015). Collection method: clinical testing. Allele origin: germline. Affected: yes.
Comment: This variant is considered likely benign or benign based on one or more of the following criteria: it is a conservative change, it occurs at a poorly conserved position in the protein, it is predicted to be benign by multiple in silico algorithms, and/or has population frequency not consistent with disease.